The following is an entry in ClinVar:

ClinVar aggregate classification (germline): Uncertain significance (1 of 4 stars; one submission).

Submission:

Ambry Genetics
Classification: Uncertain significance. Last evaluated: 2022-07-02. Review status: criteria provided, single submitter. Criteria: Ambry Variant Classification Scheme 2023. Collection method: clinical testing. Allele origin: germline.
Comment: The p.G2778R variant (also known as c.8332G>C), located in coding exon 61 of the PRKDC gene, results from a G to C substitution at nucleotide position 8332. The glycine at codon 2778 is replaced by arginine, an amino acid with dissimilar properties. This amino acid position is conserved. In addition, this alteration is predicted to be deleterious by in silico analysis. Since supporting evidence is limited at this time, the clinical significance of this alteration remains unclear.

NM_006904.7(PRKDC):c.8332G>C (p.Gly2778Arg)

Gene: PRKDC (protein kinase, DNA-activated, catalytic subunit; minus strand). Cytogenetic location: 8q11.21.
Variant type: single nucleotide variant.
Coding change: c.8332G>C on transcript NM_006904.7 (MANE Select); coding-DNA position 8332, G replaced by C.
Protein change: p.Gly2778Arg; replaces glycine 2778 with arginine.
Molecular consequence: missense variant.
Genome position (GRCh38, 1-based): chr8:47,830,670, C>G on the plus strand (G>C on the coding strand, the complement: PRKDC is on the minus strand). VCF-style: chr8-47830670-C-G. GRCh37 (hg19) VCF-style: chr8-48743231-C-G.
Other names: c.8332G>C, p.Gly2778Arg (NM_001081640.2); short protein forms G2778R.
Identifiers: ClinVar variation 1762970 (VCV001762970.2), dbSNP rs1322654605, ClinGen allele CA371146983.